The following is an entry in ClinVar:

NM_015450.3(POT1):c.81dup (p.Val28fs)

Gene: POT1 (protection of telomeres 1; minus strand). Cytogenetic location: 7q31.33.
Variant type: Duplication.
Coding change: c.81dup on transcript NM_015450.3 (MANE Select); coding-DNA position 81, one base duplicated (T; older notation c.81dupT).
Protein change: p.Val28fs; shifts the reading frame from valine 28.
Molecular consequence: frameshift variant. On other transcripts: 5 prime UTR variant (1), non-coding transcript variant (3).
Genome position (GRCh38, 1-based): chr7:124,892,309, A duplicated on the plus strand (T on the coding strand, the reverse complement: POT1 is on the minus strand). VCF-style (leftmost placement, unchanged base first): chr7-124892308-C-CA. GRCh37 (hg19) VCF-style: chr7-124532362-C-CA.
Other names: c.-182dup (NM_001042594.2); short protein forms V28fs.
Identifiers: ClinVar variation 4862382 (VCV004862382.1).

ClinVar aggregate classification (germline): Pathogenic (1 of 4 stars; one submission).

Conditions:
Hereditary cancer-predisposing syndrome. Also called: Neoplastic Syndromes, Hereditary; Tumor predisposition; Hereditary Cancer Syndrome; Hereditary neoplastic syndrome. Identifiers: Orphanet 140162, MedGen C0027672, MeSH D009386, MONDO:0015356.

Submission:

Ambry Genetics
Classification: Pathogenic for Hereditary cancer-predisposing syndrome. Last evaluated: 2026-03-30. Review status: criteria provided, single submitter. Criteria: Ambry Variant Classification Scheme 2023. Collection method: clinical testing. Allele origin: germline.
Comment: The c.81dupT pathogenic mutation, located in coding exon 2 of the POT1 gene, results from a duplication of T at nucleotide position 81, causing a translational frameshift with a predicted alternate stop codon (p.V28Cfs*6). This variant is considered to be rare based on population cohorts in the Genome Aggregation Database (gnomAD). This alteration is expected to result in loss of function by premature protein truncation or nonsense-mediated mRNA decay. As such, this alteration is interpreted as a disease-causing mutation.